The following is an entry in ClinVar:

NM_000548.5(TSC2):c.1745A>G (p.His582Arg)

Gene: TSC2 (TSC complex subunit 2; plus strand). Cytogenetic location: 16p13.3.
Variant type: single nucleotide variant.
Coding change: c.1745A>G on transcript NM_000548.5 (MANE Select); coding-DNA position 1745, A replaced by G.
Protein change: p.His582Arg; replaces histidine 582 with arginine.
Molecular consequence: missense variant.
Genome position (GRCh38, 1-based): chr16:2,070,484, A>G. VCF-style: chr16-2070484-A-G. GRCh37 (hg19) VCF-style: chr16-2120485-A-G.
Other names: c.1745A>G, p.His582Arg (NM_001077183.3, NM_001114382.3, NM_001363528.2 and 3 more transcripts); c.1634A>G, p.His545Arg (NM_001318827.2); c.1598A>G, p.His533Arg (NM_001318829.2); c.1145A>G, p.His382Arg (NM_001318831.2); c.1778A>G, p.His593Arg (NM_001318832.2); c.1745A>G (NM_000548.3); short protein forms H545R, H382R, H533R, H582R, H593R.
Identifiers: ClinVar variation 1432735 (VCV001432735.7), dbSNP rs2088124334, ClinGen allele CA394272769.

ClinVar aggregate classification (germline): Uncertain significance. Review status: criteria provided, multiple submitters, no conflicts (2 of 4 stars). 2 submissions from 2 submitters: Uncertain significance (2). Last evaluated 2026-07-06.

Conditions:
Hereditary cancer-predisposing syndrome. Also called: Hereditary Cancer Syndrome; Neoplastic Syndromes, Hereditary; Hereditary neoplastic syndrome; Tumor predisposition. Identifiers: Orphanet 140162, MedGen C0027672, MeSH D009386, MONDO:0015356.
Tuberous sclerosis 2 (TSC2). Identifiers: Orphanet 805, MedGen C1860707, MONDO:0013199, OMIM 613254.

Submissions (2):

Ambry Genetics
Classification: Uncertain significance for Hereditary cancer-predisposing syndrome. Last evaluated: 2026-07-06. Review status: criteria provided, single submitter. Criteria: Ambry Variant Classification Scheme 2023. Collection method: clinical testing. Allele origin: germline.
Comment: The p.H582R variant (also known as c.1745A>G), located in coding exon 16 of the TSC2 gene, results from an A to G substitution at nucleotide position 1745. The histidine at codon 582 is replaced by arginine, an amino acid with highly similar properties. This amino acid position is conserved. In addition, this alteration is predicted to be deleterious by in silico analysis. Based on the available evidence, the clinical significance of this variant remains unclear.

Labcorp Genetics (formerly Invitae), Labcorp
Classification: Uncertain significance for Tuberous sclerosis 2. Last evaluated: 2022-07-19. Review status: criteria provided, single submitter. Criteria: Invitae Variant Classification Sherloc (09022015). Collection method: clinical testing. Allele origin: germline.
Comment: In summary, the available evidence is currently insufficient to determine the role of this variant in disease. Therefore, it has been classified as a Variant of Uncertain Significance. Advanced modeling of protein sequence and biophysical properties (such as structural, functional, and spatial information, amino acid conservation, physicochemical variation, residue mobility, and thermodynamic stability) performed at Invitae indicates that this missense variant is not expected to disrupt TSC2 protein function. ClinVar contains an entry for this variant (Variation ID: 1432735). This variant has not been reported in the literature in individuals affected with TSC2-related conditions. This variant is not present in population databases (gnomAD no frequency). This sequence change replaces histidine, which is basic and polar, with arginine, which is basic and polar, at codon 582 of the TSC2 protein (p.His582Arg).